The following is an entry in ClinVar:

ClinVar aggregate classification (germline): Uncertain significance (1 of 4 stars; one submission).

Conditions:
Primary ciliary dyskinesia 28. Also called: CILIARY DYSKINESIA, PRIMARY, 28, WITH OR WITHOUT SITUS INVERSUS. Identifiers: Orphanet 244, MedGen C3809706, MONDO:0014216, OMIM 615505.

Allele frequency attached by ClinVar (database versions not stated): gnomAD exomes below 0.00001 and 0.00001; ExAC 0.00002.
gnomAD v4.1: 3 of 1,614,020 alleles (0.00019%); highest among the groups gnomAD compares: Non-Finnish European, 0.00025%; no homozygotes.

Submission:

Labcorp Genetics (formerly Invitae), Labcorp
Classification: Uncertain significance for Primary ciliary dyskinesia 28. Last evaluated: 2021-09-01. Review status: criteria provided, single submitter. Criteria: Invitae Variant Classification Sherloc (09022015). Collection method: clinical testing. Allele origin: germline.
Comment: This sequence change replaces glutamic acid with glycine at codon 297 of the SPAG1 protein (p.Glu297Gly). The glutamic acid residue is weakly conserved and there is a moderate physicochemical difference between glutamic acid and glycine. This variant is present in population databases (rs779765255, ExAC 0.003%). This variant has not been reported in the literature in individuals affected with SPAG1-related conditions. Algorithms developed to predict the effect of missense changes on protein structure and function are either unavailable or do not agree on the potential impact of this missense change (SIFT: "Tolerated"; PolyPhen-2: "Probably Damaging"; Align-GVGD: "Class C0"). In summary, the available evidence is currently insufficient to determine the role of this variant in disease. Therefore, it has been classified as a Variant of Uncertain Significance.

NM_003114.5(SPAG1):c.890A>G (p.Glu297Gly)

Gene: SPAG1 (sperm associated antigen 1; plus strand). Cytogenetic location: 8q22.2.
Variant type: single nucleotide variant.
Coding change: c.890A>G on transcript NM_003114.5 (MANE Select); coding-DNA position 890, A replaced by G.
Protein change: p.Glu297Gly; replaces glutamic acid 297 with glycine.
Molecular consequence: missense variant.
Genome position (GRCh38, 1-based): chr8:100,191,447, A>G. VCF-style: chr8-100191447-A-G. GRCh37 (hg19) VCF-style: chr8-101203675-A-G.
Other names: c.890A>G, p.Glu297Gly (NM_001374321.1, NM_172218.3); short protein forms E297G.
Identifiers: ClinVar variation 567237 (VCV000567237.8), dbSNP rs779765255, ClinGen allele CA4827391.